The following is an entry in ClinVar:

ClinVar aggregate classification (germline): Likely benign. Review status: criteria provided, multiple submitters, no conflicts (2 of 4 stars). 4 submissions from 4 submitters: Likely benign (4). Last evaluated 2026-07-01.

Conditions:
Cardiovascular phenotype. Identifiers: MedGen CN230736.
Telangiectasia, hereditary hemorrhagic, type 2 (HHT2). Also called: ACVRL1-Related Hereditary Hemorrhagic Telangiectasia; Telangiectasia, hereditary hemorrhagic, type II. Identifiers: Orphanet 774, MedGen C1838163, MONDO:0010880, OMIM 600376. Disease mechanism: loss of function.

Allele frequency attached by ClinVar (database versions not stated): TOPMed 0.00004; gnomAD 0.00005; gnomAD exomes 0.00008; ExAC 0.00011; ESP Exome Variant Server 0.00015.
gnomAD v4.1: 123 of 1,613,380 alleles (0.0076%); highest among the groups gnomAD compares: East Asian, 0.054%; no homozygotes.

Submissions (4):

CeGaT Center for Human Genetics Tuebingen
Classification: Likely benign. Last evaluated: 2026-07-01. Review status: criteria provided, single submitter. Criteria: CeGaT Center For Human Genetics Tuebingen Variant Classification Criteria Version 2. Collection method: clinical testing. Allele origin: germline. Affected: yes. Observed: 2 variant alleles.
Comment: ACVRL1: BP4, BP7

Labcorp Genetics (formerly Invitae), Labcorp
Classification: Likely benign for Telangiectasia, hereditary hemorrhagic, type 2. Last evaluated: 2025-08-29. Review status: criteria provided, single submitter. Criteria: Invitae Variant Classification Sherloc (09022015). Collection method: clinical testing. Allele origin: germline.

ARUP Laboratories, Molecular Genetics and Genomics, ARUP Laboratories
Classification: Likely benign for Telangiectasia, hereditary hemorrhagic, type 2. Last evaluated: 2025-01-02. Review status: criteria provided, single submitter. Criteria: ARUP Molecular Germline Variant Investigation Process 2024. Collection method: clinical testing. Allele origin: germline.

Ambry Genetics
Classification: Likely benign for Cardiovascular phenotype. Last evaluated: 2022-04-21. Review status: criteria provided, single submitter. Criteria: Ambry Variant Classification Scheme 2023. Collection method: clinical testing. Allele origin: germline.

NM_000020.3(ACVRL1):c.1104G>A (p.Pro368=)

Gene: ACVRL1 (activin A receptor like type 1; plus strand). Cytogenetic location: 12q13.13.
Variant type: single nucleotide variant.
Coding change: c.1104G>A on transcript NM_000020.3 (MANE Select); coding-DNA position 1104, G replaced by A.
Protein change: p.Pro368=; no amino-acid change (proline 368 retained).
Molecular consequence: synonymous variant.
Genome position (GRCh38, 1-based): chr12:51,916,091, G>A. VCF-style: chr12-51916091-G-A. GRCh37 (hg19) VCF-style: chr12-52309875-G-A.
Other names: c.1104G>A, p.Pro368= (NM_001077401.2).
Identifiers: ClinVar variation 695778 (VCV000695778.15), dbSNP rs147885255, ClinGen allele CA6573070.